The following is an entry in ClinVar:

NM_001017995.3(SH3PXD2B):c.1021A>G (p.Lys341Glu)

Gene: SH3PXD2B (SH3 and PX domains 2B; minus strand). Cytogenetic location: 5q35.1.
Variant type: single nucleotide variant.
Coding change: c.1021A>G on transcript NM_001017995.3 (MANE Select); coding-DNA position 1021, A replaced by G.
Protein change: p.Lys341Glu; replaces lysine 341 with glutamic acid.
Molecular consequence: missense variant.
Genome position (GRCh38, 1-based): chr5:172,347,324, T>C on the plus strand (A>G on the coding strand, the complement: SH3PXD2B is on the minus strand). VCF-style: chr5-172347324-T-C. GRCh37 (hg19) VCF-style: chr5-171774328-T-C.
Other names: c.1021A>G, p.Lys341Glu (NM_001308175.2); short protein forms K341E.
Identifiers: ClinVar variation 1059571 (VCV001059571.11), dbSNP rs145343254, ClinGen allele CA3561337.
Genomic context (GRCh38, chr5:172,347,324, plus strand): 5'-GTAGCGAGGATCCACTTACAATGGTCATGTCCCGGCGAGGAGGGGGTCTCTGCCTCATCT[T>C]TGGTGATCCTATGGAGAAATGAGAGCTTATTACATCTTGTGCTACAGATGAGATTCCTGA-3'
Protein context (NP_001017995.1, residues 331-351): PDGDAKQRSP[Lys341Glu]MRQRPPPRRD

ClinVar aggregate classification (germline): Conflicting classifications of pathogenicity. Review status: criteria provided, conflicting classifications (1 of 4 stars). 3 submissions from 3 submitters: Uncertain significance (2); Likely benign (1). Last evaluated 2025-01-06.

Conditions:
Inborn genetic diseases. Identifiers: MedGen C0950123, MeSH D030342.

Allele frequency attached by ClinVar (database versions not stated): gnomAD exomes 0.00002 and 0.00009; ExAC 0.00007; TOPMed 0.00018; gnomAD 0.00019; ESP Exome Variant Server 0.00023; 1000 Genomes Project 0.00040; 1000 Genomes Project 30x 0.00047.
gnomAD v4.1: 60 of 1,614,022 alleles (0.0037%); highest among the groups gnomAD compares: African/African-American, 0.072%; no homozygotes.

Submissions (3):

Labcorp Genetics (formerly Invitae), Labcorp
Classification: Uncertain significance. Last evaluated: 2025-01-06. Review status: criteria provided, single submitter. Criteria: Invitae Variant Classification Sherloc (09022015). Collection method: clinical testing. Allele origin: germline.
Comment: This sequence change replaces lysine, which is basic and polar, with glutamic acid, which is acidic and polar, at codon 341 of the SH3PXD2B protein (p.Lys341Glu). This variant is present in population databases (rs145343254, gnomAD 0.08%). This variant has not been reported in the literature in individuals affected with SH3PXD2B-related conditions. ClinVar contains an entry for this variant (Variation ID: 1059571). An algorithm developed to predict the effect of missense changes on protein structure and function (PolyPhen-2) suggests that this variant is likely to be tolerated. In summary, the available evidence is currently insufficient to determine the role of this variant in disease. Therefore, it has been classified as a Variant of Uncertain Significance.

Ambry Genetics
Classification: Likely benign for Inborn genetic diseases. Last evaluated: 2023-01-23. Review status: criteria provided, single submitter. Criteria: Ambry Variant Classification Scheme 2023. Collection method: clinical testing. Allele origin: germline.

GeneDx
Classification: Uncertain significance. Last evaluated: 2022-07-01. Review status: criteria provided, single submitter. Criteria: GeneDx Variant Classification Process June 2021. Collection method: clinical testing. Allele origin: germline. Affected: yes.
Comment: In silico analysis supports that this missense variant does not alter protein structure/function; Has not been previously published as pathogenic or benign to our knowledge